The following is an entry in ClinVar:

ClinVar aggregate classification (germline): Benign (1 of 4 stars; one submission).

Allele frequency attached by ClinVar (database versions not stated): ExAC 0.00149; gnomAD 0.00591.

Submission:

CeGaT Center for Human Genetics Tuebingen
Classification: Benign. Last evaluated: 2023-08-01. Review status: criteria provided, single submitter. Criteria: CeGaT Center For Human Genetics Tuebingen Variant Classification Criteria Version 2. Collection method: clinical testing. Allele origin: germline. Affected: yes. Observed: 1 variant allele.
Comment: DSPP: BP4, BP7, BS1, BS2

NM_014208.3(DSPP):c.3630C>T (p.Ser1210=)

Genes: DMP1-AS1 (DMP1 and DSPP antisense RNA 1; minus strand), DSPP (dentin sialophosphoprotein; plus strand). Cytogenetic location: 4q22.1.
Variant type: single nucleotide variant.
Coding change: c.3630C>T on transcript NM_014208.3 (MANE Select); coding-DNA position 3630, C replaced by T.
Protein change: p.Ser1210=; no amino-acid change (serine 1210 retained).
Molecular consequence: synonymous variant.
Genome position (GRCh38, 1-based): chr4:87,616,292, C>T. VCF-style: chr4-87616292-C-T. GRCh37 (hg19) VCF-style: chr4-88537444-C-T.
Identifiers: ClinVar variation 2654930 (VCV002654930.24), dbSNP rs750535290, ClinGen allele CA3001842.